The following is an entry in ClinVar:

ClinVar aggregate classification (germline): Uncertain significance (1 of 4 stars; one submission).

Conditions:
Bethlem myopathy 1A. Also called: MYOPATHY, BENIGN CONGENITAL, WITH CONTRACTURES; Bethlem myopathy 1; Bethlem Muscular Dystrophy. Identifiers: Orphanet 610, MedGen CN029274, MONDO:0024530, OMIM 158810.

Submission:

Labcorp Genetics (formerly Invitae), Labcorp
Classification: Uncertain significance for Bethlem myopathy 1A. Last evaluated: 2024-02-24. Review status: criteria provided, single submitter. Criteria: Invitae Variant Classification Sherloc (09022015). Collection method: clinical testing. Allele origin: germline.
Comment: This sequence change replaces alanine, which is neutral and non-polar, with serine, which is neutral and polar, at codon 710 of the COL6A2 protein (p.Ala710Ser). This variant is not present in population databases (gnomAD no frequency). This variant has not been reported in the literature in individuals affected with COL6A2-related conditions. Advanced modeling of protein sequence and biophysical properties (such as structural, functional, and spatial information, amino acid conservation, physicochemical variation, residue mobility, and thermodynamic stability) performed at Invitae indicates that this missense variant is expected to disrupt COL6A2 protein function with a positive predictive value of 80%. In summary, the available evidence is currently insufficient to determine the role of this variant in disease. Therefore, it has been classified as a Variant of Uncertain Significance.

NM_001849.4(COL6A2):c.2128G>T (p.Ala710Ser)

Gene: COL6A2 (collagen type VI alpha 2 chain; plus strand). Cytogenetic location: 21q22.3.
Variant type: single nucleotide variant.
Coding change: c.2128G>T on transcript NM_001849.4 (MANE Select); coding-DNA position 2128, G replaced by T.
Protein change: p.Ala710Ser; replaces alanine 710 with serine.
Molecular consequence: missense variant.
Genome position (GRCh38, 1-based): chr21:46,125,943, G>T. VCF-style: chr21-46125943-G-T. GRCh37 (hg19) VCF-style: chr21-47545857-G-T.
Other names: c.2128G>T, p.Ala710Ser (NM_058174.3, NM_058175.3); short protein forms A710S.
Identifiers: ClinVar variation 2710169 (VCV002710169.3), dbSNP rs2517017851, ClinGen allele CA410541662.